The following is an entry in ClinVar:

NM_001710.6(CFB):c.1105C>G (p.Pro369Ala)

Gene: CFB (complement factor B; plus strand). Cytogenetic location: 6p21.33.
Variant type: single nucleotide variant.
Coding change: c.1105C>G on transcript NM_001710.6 (MANE Select); coding-DNA position 1105, C replaced by G.
Protein change: p.Pro369Ala; replaces proline 369 with alanine.
Molecular consequence: missense variant.
Genome position (GRCh38, 1-based): chr6:31,948,898, C>G. VCF-style: chr6-31948898-C-G. GRCh37 (hg19) VCF-style: chr6-31916675-C-G.
Other names: p.Pro369Ala; short protein forms P369A.
Identifiers: ClinVar variation 1022648 (VCV001022648.9), dbSNP rs141298291, ClinGen allele CA3728229.

ClinVar aggregate classification (germline): Uncertain significance. Review status: criteria provided, multiple submitters, no conflicts (2 of 4 stars). 2 submissions from 2 submitters: Uncertain significance (2). Last evaluated 2025-05-28.

Allele frequency attached by ClinVar (database versions not stated): gnomAD 0.00012 and 0.00011; gnomAD exomes 0.00003; ExAC 0.00004; TOPMed 0.00010; ESP Exome Variant Server 0.00012.
gnomAD v4.1: 39 of 1,612,798 alleles (0.0024%); highest among the groups gnomAD compares: African/African-American, 0.047%; no homozygotes.

Submissions (2):

Mayo Clinic Laboratories, Mayo Clinic
Classification: Uncertain significance. Last evaluated: 2025-05-28. Review status: criteria provided, single submitter. Criteria: ACMG Guidelines, 2015. Collection method: clinical testing. Allele origin: germline. Observed: 2 variant alleles.
Comment: BP4

Labcorp Genetics (formerly Invitae), Labcorp
Classification: Uncertain significance. Last evaluated: 2025-05-25. Review status: criteria provided, single submitter. Criteria: Invitae Variant Classification Sherloc (09022015). Collection method: clinical testing. Allele origin: germline.
Comment: This sequence change replaces proline, which is neutral and non-polar, with alanine, which is neutral and non-polar, at codon 369 of the CFB protein (p.Pro369Ala). This variant is present in population databases (rs141298291, gnomAD 0.05%). This variant has not been reported in the literature in individuals affected with CFB-related conditions. ClinVar contains an entry for this variant (Variation ID: 1022648). Invitae Evidence Modeling of protein sequence and biophysical properties (such as structural, functional, and spatial information, amino acid conservation, physicochemical variation, residue mobility, and thermodynamic stability) indicates that this missense variant is not expected to disrupt CFB protein function with a negative predictive value of 80%. In summary, the available evidence is currently insufficient to determine the role of this variant in disease. Therefore, it has been classified as a Variant of Uncertain Significance.